The following is an entry in ClinVar:

ClinVar aggregate classification (germline): Uncertain significance (1 of 4 stars; one submission).

Submission:

Labcorp Genetics (formerly Invitae), Labcorp
Classification: Uncertain significance. Last evaluated: 2022-08-03. Review status: criteria provided, single submitter. Criteria: Invitae Variant Classification Sherloc (09022015). Collection method: clinical testing. Allele origin: germline.
Comment: This variant has not been reported in the literature in individuals affected with TUB-related conditions. This variant is not present in population databases (gnomAD no frequency). This sequence change replaces threonine, which is neutral and polar, with arginine, which is basic and polar, at codon 491 of the TUB protein (p.Thr491Arg). Algorithms developed to predict the effect of missense changes on protein structure and function (SIFT, PolyPhen-2, Align-GVGD) all suggest that this variant is likely to be disruptive. In summary, the available evidence is currently insufficient to determine the role of this variant in disease. Therefore, it has been classified as a Variant of Uncertain Significance.

NM_177972.3(TUB):c.1307C>G (p.Thr436Arg)

Genes: RIC3 (RIC3 acetylcholine receptor chaperone; minus strand), TUB (TUB bipartite transcription factor; plus strand). Cytogenetic location: 11p15.4.
Variant type: single nucleotide variant.
Coding change: c.1307C>G on transcript NM_177972.3 (MANE Select); coding-DNA position 1307, C replaced by G.
Protein change: p.Thr436Arg; replaces threonine 436 with arginine.
Molecular consequence: missense variant.
Genome position (GRCh38, 1-based): chr11:8,100,917, C>G. VCF-style: chr11-8100917-C-G. GRCh37 (hg19) VCF-style: chr11-8122464-C-G.
Other names: c.1472C>G, p.Thr491Arg (NM_003320.5); short protein forms T436R, T491R.
Identifiers: ClinVar variation 1714552 (VCV001714552.5), dbSNP rs1360609133, ClinGen allele CA379572020.